The following is an entry in ClinVar:

NM_001130987.2(DYSF):c.254C>A (p.Ala85Asp)

Gene: DYSF (dysferlin; plus strand). Cytogenetic location: 2p13.2.
Variant type: single nucleotide variant.
Coding change: c.254C>A on transcript NM_001130987.2 (MANE Select); coding-DNA position 254, C replaced by A.
Protein change: p.Ala85Asp; replaces alanine 85 with aspartic acid.
Molecular consequence: missense variant.
Genome position (GRCh38, 1-based): chr2:71,503,228, C>A. VCF-style: chr2-71503228-C-A. GRCh37 (hg19) VCF-style: chr2-71730358-C-A.
Other names: c.251C>A (NM_003494.3); c.254C>A, p.Ala85Asp (NM_001130982.2, NM_001130983.2, NM_001130984.2 and 3 more transcripts); c.251C>A, p.Ala84Asp (NM_003494.4, NM_001130976.2, NM_001130977.2 and 4 more transcripts); short protein forms A84D, A85D.
Identifiers: ClinVar variation 1000484 (VCV001000484.10), dbSNP rs772008300, ClinGen allele CA347204151.

ClinVar aggregate classification (germline): Uncertain significance. Review status: criteria provided, multiple submitters, no conflicts (2 of 4 stars). 3 submissions from 3 submitters: Uncertain significance (2). 1 of the submissions does not count toward it. Last evaluated 2024-12-10.

Conditions:
Neuromuscular disease caused by qualitative or quantitative defects of dysferlin. Also called: Qualitative or quantitative defects of dysferlin; Dysferlinopathy. Identifiers: Orphanet 207073, MedGen C2931687, MONDO:0016145.
Autosomal recessive limb-girdle muscular dystrophy type 2B (LGMDR2). Also called: Limb-girdle muscular dystrophy, type 2B; MUSCULAR DYSTROPHY, LIMB-GIRDLE, AUTOSOMAL RECESSIVE 2; MUSCULAR DYSTROPHY, LIMB-GIRDLE, TYPE 3; Limb-Girdle Muscular Dystrophy Type 2B (LGMD2B). Identifiers: Orphanet 268, MedGen C1850889, MONDO:0009676, OMIM 253601.

gnomAD v4.1: 1 of 1,614,002 alleles (0.000062%); highest among the groups gnomAD compares: Admixed American, 0.0017%; no homozygotes.

Submissions (3):

Labcorp Genetics (formerly Invitae), Labcorp
Classification: Uncertain significance for Neuromuscular disease caused by qualitative or quantitative defects of dysferlin. Last evaluated: 2024-12-10. Review status: criteria provided, single submitter. Criteria: Invitae Variant Classification Sherloc (09022015). Collection method: clinical testing. Allele origin: germline.
Comment: This sequence change replaces alanine, which is neutral and non-polar, with aspartic acid, which is acidic and polar, at codon 84 of the DYSF protein (p.Ala84Asp). This variant is not present in population databases (gnomAD no frequency). This variant has not been reported in the literature in individuals affected with DYSF-related conditions. ClinVar contains an entry for this variant (Variation ID: 1000484). Invitae Evidence Modeling of protein sequence and biophysical properties (such as structural, functional, and spatial information, amino acid conservation, physicochemical variation, residue mobility, and thermodynamic stability) has been performed for this missense variant. However, the output from this modeling did not meet the statistical confidence thresholds required to predict the impact of this variant on DYSF protein function. In summary, the available evidence is currently insufficient to determine the role of this variant in disease. Therefore, it has been classified as a Variant of Uncertain Significance.

Revvity Omics, Revvity
Classification: Uncertain significance. Last evaluated: 2019-09-05. Review status: criteria provided, single submitter. Criteria: ACMG Guidelines, 2015. Collection method: clinical testing. Allele origin: germline.

Natera, Inc.
Classification: Uncertain significance for Limb-girdle muscular dystrophy type 2B. Last evaluated: 2025-04-18. Review status: no assertion criteria provided. Collection method: clinical testing. Allele origin: germline. Not counted in ClinVar's aggregate classification.